The following is an entry in ClinVar:

NM_005045.4(RELN):c.6558T>G (p.Ser2186Arg)

Gene: RELN (reelin; minus strand). Cytogenetic location: 7q22.1.
Variant type: single nucleotide variant.
Coding change: c.6558T>G on transcript NM_005045.4 (MANE Select); coding-DNA position 6558, T replaced by G.
Protein change: p.Ser2186Arg; replaces serine 2186 with arginine.
Molecular consequence: missense variant.
Genome position (GRCh38, 1-based): chr7:103,542,844, A>C on the plus strand (T>G on the coding strand, the complement: RELN is on the minus strand). VCF-style: chr7-103542844-A-C. GRCh37 (hg19) VCF-style: chr7-103183291-A-C.
Other names: c.6558T>G, p.Ser2186Arg (NM_173054.3); short protein forms S2186R.
Identifiers: ClinVar variation 1387909 (VCV001387909.6), dbSNP rs2117134632, ClinGen allele CA368770570.

ClinVar aggregate classification (germline): Uncertain significance (1 of 4 stars; one submission).

Conditions:
Norman-Roberts syndrome (LIS2). Also called: Lissencephaly 2 (Norman-Roberts type). Identifiers: Orphanet 89844, MedGen C0796089, MONDO:0009760, OMIM 257320.
Familial temporal lobe epilepsy 7. Identifiers: Orphanet 101046, MedGen C4225327, MONDO:0014639, OMIM 616436.

Submission:

Labcorp Genetics (formerly Invitae), Labcorp
Classification: Uncertain significance for Familial temporal lobe epilepsy 7; Norman-Roberts syndrome. Last evaluated: 2022-03-02. Review status: criteria provided, single submitter. Criteria: Invitae Variant Classification Sherloc (09022015). Collection method: clinical testing. Allele origin: germline.
Comment: This sequence change replaces serine, which is neutral and polar, with arginine, which is basic and polar, at codon 2186 of the RELN protein (p.Ser2186Arg). In summary, the available evidence is currently insufficient to determine the role of this variant in disease. Therefore, it has been classified as a Variant of Uncertain Significance. Algorithms developed to predict the effect of sequence changes on RNA splicing suggest that this variant may disrupt the consensus splice site. Algorithms developed to predict the effect of missense changes on protein structure and function are either unavailable or do not agree on the potential impact of this missense change (SIFT: "Deleterious"; PolyPhen-2: "Probably Damaging"; Align-GVGD: "Class C0"). This variant has not been reported in the literature in individuals affected with RELN-related conditions. This variant is not present in population databases (gnomAD no frequency).